The following is an entry in ClinVar:

NM_005173.4(ATP2A3):c.2863-5G>A

Genes: ATP2A3 (ATPase sarcoplasmic/endoplasmic reticulum Ca2+ transporting 3; minus strand), LOC126862465 (BRD4-independent group 4 enhancer GRCh37_chr17:3831158-3832357; plus strand). Cytogenetic location: 17p13.2.
Variant type: single nucleotide variant.
Coding change: c.2863-5G>A on transcript NM_005173.4 (MANE Select); 5 bases into the intron before coding-DNA position 2863, G replaced by A.
Molecular consequence: intron variant.
Genome position (GRCh38, 1-based): chr17:3,928,785, C>T on the plus strand (G>A on the coding strand, the complement: ATP2A3 is on the minus strand). VCF-style: chr17-3928785-C-T. GRCh37 (hg19) VCF-style: chr17-3832079-C-T.
Other names: c.2863-5G>A (NM_174957.3, NM_174955.3, NM_174954.3 and 3 more transcripts).
Identifiers: ClinVar variation 3056302 (VCV003056302.2), dbSNP rs73328992, ClinGen allele CA8296701.

ClinVar aggregate classification (germline): Benign (0 of 4 stars; one submission).

Conditions:
ATP2A3-related disorder. Also called: ATP2A3-related condition.

Allele frequency attached by ClinVar (database versions not stated): ExAC 0.03502; gnomAD 0.06118; 1000 Genomes Project 0.06609; ESP Exome Variant Server 0.06669; TOPMed 0.06875; 1000 Genomes Project 30x 0.07277.
gnomAD v4.1: 17,810 of 1,552,320 alleles (1.1%); highest among the groups gnomAD compares: African/African-American, 21%; 1,704 homozygotes.

Submission:

PreventionGenetics, part of Exact Sciences
Classification: Benign for ATP2A3-related condition. Last evaluated: 2019-09-24. Review status: no assertion criteria provided. Collection method: clinical testing. Allele origin: germline.
Comment: This variant is classified as benign based on ACMG/AMP sequence variant interpretation guidelines (Richards et al. 2015 PMID: 25741868, with internal and published modifications).